The following is an entry in ClinVar:

NM_000465.4(BARD1):c.1152C>T (p.Ser384=)

Gene: BARD1 (BRCA1 associated RING domain 1; minus strand). Cytogenetic location: 2q35.
Variant type: single nucleotide variant.
Coding change: c.1152C>T on transcript NM_000465.4 (MANE Select); coding-DNA position 1152, C replaced by T.
Protein change: p.Ser384=; no amino-acid change (serine 384 retained).
Molecular consequence: synonymous variant. On other transcripts: non-coding transcript variant (2), intron variant (3).
Genome position (GRCh38, 1-based): chr2:214,780,722, G>A on the plus strand (C>T on the coding strand, the complement: BARD1 is on the minus strand). VCF-style: chr2-214780722-G-A. GRCh37 (hg19) VCF-style: chr2-215645446-G-A.
Other names: c.1095C>T, p.Ser365= (NM_001282543.2); c.159-28167C>T (NM_001282548.2); c.215+16339C>T (NM_001282545.2); c.364+11575C>T (NM_001282549.2).
Identifiers: ClinVar variation 184858 (VCV000184858.33), dbSNP rs368291318, ClinGen allele CA190263.
Genomic context (GRCh38, chr2:214,780,722, plus strand): 5'-GTAACTTGAACTACTTAATGTAGAAGGTGGTGTACCTGGTGAAAGACTAATGAATTCATC[G>A]GACATGTTACTGTTTTTCCTCCCTGATGTACCACCAACTTTACGTTTGCATGAAGGTGGT-3'
Protein context (NP_000456.2, residues 374-394): GTSGRKNSNM[Ser384=]DEFISLSPGT

ClinVar aggregate classification (germline): Conflicting classifications of pathogenicity. Review status: criteria provided, conflicting classifications (1 of 4 stars). 13 submissions from 13 submitters: Uncertain significance (1); Benign (3); Likely benign (6). 3 of the submissions do not count toward it. Last evaluated 2026-01-28.

Conditions:
Hereditary cancer-predisposing syndrome. Also called: Hereditary neoplastic syndrome; Neoplastic Syndromes, Hereditary; Tumor predisposition; Hereditary Cancer Syndrome. Identifiers: Orphanet 140162, MedGen C0027672, MeSH D009386, MONDO:0015356.
Familial cancer of breast. Also called: BREAST CANCER, FAMILIAL; Hereditary breast cancer; hereditary breast carcinoma. Identifiers: Orphanet 227535, MedGen C0346153, MONDO:0016419, OMIM 114480. Disease mechanism: loss of function.
Triple-Negative Breast Cancer Finding. Identifiers: MedGen C2348819.

Allele frequency attached by ClinVar (database versions not stated): ESP Exome Variant Server 0.00008; gnomAD 0.00011 and 0.00012; gnomAD exomes 0.00012; TOPMed 0.00013; ExAC 0.00015.
gnomAD v4.1: 242 of 1,613,906 alleles (0.015%); highest among the groups gnomAD compares: Non-Finnish European, 0.018%; no homozygotes.

Submissions (13):

Labcorp Genetics (formerly Invitae), Labcorp
Classification: Likely benign for Familial cancer of breast. Last evaluated: 2026-01-28. Review status: criteria provided, single submitter. Criteria: Invitae Variant Classification Sherloc (09022015). Collection method: clinical testing. Allele origin: germline.

Center for Genomic Medicine, Rigshospitalet, Copenhagen University Hospital
Classification: Likely benign. Last evaluated: 2025-03-04. Review status: criteria provided, single submitter. Criteria: ACMG Guidelines, 2015. Collection method: clinical testing. Allele origin: germline.

Myriad Genetics, Inc.
Classification: Benign for Familial cancer of breast. Last evaluated: 2024-07-24. Review status: criteria provided, single submitter. Criteria: Myriad Autosomal Dominant, Autosomal Recessive and X-Linked Classification Criteria (2023). Collection method: clinical testing. Allele origin: unknown.
Comment: This variant is considered benign. This variant is a silent/synonymous amino acid change and it is not expected to impact splicing.

Sema4
Classification: Likely benign for Hereditary cancer-predisposing syndrome. Last evaluated: 2021-10-08. Review status: criteria provided, single submitter. Criteria: Sema4 Curation Guidelines. Collection method: curation. Allele origin: germline.

Women's Health and Genetics/Laboratory Corporation of America, LabCorp
Classification: Likely benign. Last evaluated: 2021-07-31. Review status: criteria provided, single submitter. Criteria: LabCorp Variant Classification Summary - May 2015. Collection method: clinical testing. Allele origin: germline.

Quest Diagnostics Nichols Institute San Juan Capistrano
Classification: Benign. Last evaluated: 2019-12-16. Review status: criteria provided, single submitter. Criteria: Quest Diagnostics criteria. Collection method: clinical testing. Allele origin: unknown.

Illumina Laboratory Services, Illumina
Classification: Uncertain significance for Familial cancer of breast. Last evaluated: 2017-04-27. Review status: criteria provided, single submitter. Criteria: ICSL Variant Classification Criteria 13 December 2019. Collection method: clinical testing. Allele origin: germline.
Comment: This variant was observed as part of a predisposition screen in an ostensibly healthy population. A literature search was performed for the gene, cDNA change, and amino acid change (where applicable). Publications were found based on this search. However, the evidence from the literature, in combination with allele frequency data from public databases where available, was not sufficient to rule this variant in or out of causing disease. Therefore, this variant is classified as a variant of unknown significance.

Color Diagnostics, LLC DBA Color Health
Classification: Likely benign for Hereditary cancer-predisposing syndrome. Last evaluated: 2015-09-30. Review status: criteria provided, single submitter. Criteria: ACMG Guidelines, 2015. Collection method: clinical testing. Allele origin: germline.

GeneDx
Classification: Benign. Last evaluated: 2015-03-03. Review status: criteria provided, single submitter. Criteria: GeneDx Variant Classification Process June 2021. Collection method: clinical testing. Allele origin: germline. Affected: yes.

Ambry Genetics
Classification: Likely benign for Hereditary cancer-predisposing syndrome. Last evaluated: 2014-08-12. Review status: criteria provided, single submitter. Criteria: Ambry Variant Classification Scheme 2023. Collection method: clinical testing. Allele origin: germline.

Lab. Molecular Oncology, VUB, Free University of Brussels
Classification: Likely benign for Triple-Negative Breast Cancer Finding. Last evaluated: 2015-02-01. Review status: no assertion criteria provided. Collection method: clinical testing. Allele origin: germline. Affected: yes. Not counted in ClinVar's aggregate classification.

Clinical Genetics DNA and cytogenetics Diagnostics Lab, Erasmus MC, Erasmus Medical Center
Classification: Likely benign. Review status: no assertion criteria provided. Collection method: clinical testing. Allele origin: germline. Affected: yes. Study: VKGL Data-share Consensus. Not counted in ClinVar's aggregate classification.

Diagnostic Laboratory, Department of Genetics, University Medical Center Groningen
Classification: Likely benign. Review status: no assertion criteria provided. Collection method: clinical testing. Allele origin: germline. Affected: yes. Study: VKGL Data-share Consensus. Not counted in ClinVar's aggregate classification.

Literature cited by the submitters: PubMed 26010302 (cited by 3 submitters); PubMed 28912018 (cited by Quest Diagnostics Nichols Institute San Juan Capistrano).